The following is an entry in ClinVar:

NM_001130965.3(SUN1):c.502G>A (p.Gly168Arg)

Gene: SUN1 (Sad1 and UNC84 domain containing 1; plus strand). Cytogenetic location: 7p22.3.
Variant type: single nucleotide variant.
Coding change: c.502G>A on transcript NM_001130965.3 (MANE Select); coding-DNA position 502, G replaced by A.
Protein change: p.Gly168Arg; replaces glycine 168 with arginine.
Molecular consequence: missense variant. On other transcripts: synonymous variant (1), 5 prime UTR variant (3), non-coding transcript variant (3), intron variant (1).
Genome position (GRCh38, 1-based): chr7:843,364, G>A. VCF-style: chr7-843364-G-A. GRCh37 (hg19) VCF-style: chr7-883001-G-A.
Other names: c.565G>A, p.Gly189Arg (NM_001171945.2); c.502G>A, p.Gly168Arg (NM_001171946.2, NM_001367633.1, NM_001367634.1 and 32 more transcripts); c.45G>A, p.Arg15= (NM_001367635.1); c.352G>A, p.Gly118Arg (NM_001367636.1, NM_001367644.1, NM_001367645.1 and 24 more transcripts); c.-66G>A (NM_001367639.1, NM_001367708.1); c.721G>A, p.Gly241Arg (NM_001367651.1); c.-260G>A (NM_001367658.1); c.529G>A, p.Gly177Arg (NM_001367669.1); and 2 more; short protein forms G168R, G177R, G118R, G189R, G241R, G105R.
Identifiers: ClinVar variation 2281069 (VCV002281069.4), dbSNP rs1266827104, ClinGen allele CA366548368.

ClinVar aggregate classification (germline): Uncertain significance. Review status: criteria provided, multiple submitters, no conflicts (2 of 4 stars). 2 submissions from 2 submitters: Uncertain significance (2). Last evaluated 2024-12-19.

Conditions:
Emery-Dreifuss muscular dystrophy (EDMD). Also called: Scapuloperoneal syndrome, X-linked (formerly); Humeroperoneal neuromuscular disease, (formerly). Identifiers: Orphanet 261, MedGen C0410189, MONDO:0016830.

Allele frequency attached by ClinVar (database versions not stated): gnomAD exomes below 0.00001; gnomAD 0.00001; TOPMed 0.00001.
gnomAD v4.1: 4 of 1,608,126 alleles (0.00025%); highest among the groups gnomAD compares: Admixed American, 0.0017%; no homozygotes.

Submissions (2):

Labcorp Genetics (formerly Invitae), Labcorp
Classification: Uncertain significance for Emery-Dreifuss muscular dystrophy. Last evaluated: 2024-12-19. Review status: criteria provided, single submitter. Criteria: Invitae Variant Classification Sherloc (09022015). Collection method: clinical testing. Allele origin: germline.
Comment: This sequence change replaces glycine, which is neutral and non-polar, with arginine, which is basic and polar, at codon 168 of the SUN1 protein (p.Gly168Arg). This variant is present in population databases (no rsID available, gnomAD 0.005%). This variant has not been reported in the literature in individuals affected with SUN1-related conditions. ClinVar contains an entry for this variant (Variation ID: 2281069). An algorithm developed to predict the effect of missense changes on protein structure and function (PolyPhen-2) suggests that this variant is likely to be tolerated. In summary, the available evidence is currently insufficient to determine the role of this variant in disease. Therefore, it has been classified as a Variant of Uncertain Significance.

Ambry Genetics
Classification: Uncertain significance. Last evaluated: 2022-03-31. Review status: criteria provided, single submitter. Criteria: Ambry Variant Classification Scheme 2023. Collection method: clinical testing. Allele origin: germline.